The following is an entry in ClinVar:

NM_012186.3(FOXE3):c.454G>A (p.Ala152Thr)

Genes: FOXE3 (forkhead box E3; plus strand), LINC01389 (long intergenic non-protein coding RNA 1389; minus strand). Cytogenetic location: 1p33.
Variant type: single nucleotide variant.
Coding change: c.454G>A on transcript NM_012186.3 (MANE Select); coding-DNA position 454, G replaced by A.
Protein change: p.Ala152Thr; replaces alanine 152 with threonine.
Molecular consequence: missense variant.
Genome position (GRCh38, 1-based): chr1:47,416,769, G>A. VCF-style: chr1-47416769-G-A. GRCh37 (hg19) VCF-style: chr1-47882441-G-A.
Other names: short protein forms A152T.
Identifiers: ClinVar variation 1741426 (VCV001741426.2), dbSNP rs765655167, ClinGen allele CA842971.

ClinVar aggregate classification (germline): Uncertain significance (1 of 4 stars; one submission).

Conditions:
Cardiovascular phenotype. Identifiers: MedGen CN230736.

Allele frequency attached by ClinVar (database versions not stated): ExAC 0.00001; gnomAD exomes 0.00001.

Submission:

Ambry Genetics
Classification: Uncertain significance for Cardiovascular phenotype. Last evaluated: 2021-08-14. Review status: criteria provided, single submitter. Criteria: Ambry Variant Classification Scheme 2023. Collection method: clinical testing. Allele origin: germline.
Comment: The p.A152T variant (also known as c.454G>A), located in coding exon 1 of the FOXE3 gene, results from a G to A substitution at nucleotide position 454. The alanine at codon 152 is replaced by threonine, an amino acid with similar properties. This amino acid position is conserved. In addition, the in silico prediction for this alteration is inconclusive. Since supporting evidence is limited at this time, the clinical significance of this alteration remains unclear.